The following is an entry in ClinVar:

ClinVar aggregate classification (germline): Uncertain significance. Review status: criteria provided, multiple submitters, no conflicts (2 of 4 stars). 2 submissions from 2 submitters: Uncertain significance (2). Last evaluated 2026-09-04.

Conditions:
Long QT syndrome (LQTS). Identifiers: MedGen C0023976, MeSH D008133, MONDO:0002442. Disease mechanism: loss of function. Inheritance: Various modes of inheritance.
Cardiovascular phenotype. Identifiers: MedGen CN230736.

gnomAD v4.1: 3 of 1,348,076 alleles (0.00022%); highest among the groups gnomAD compares: Non-Finnish European, 0.00029%; no homozygotes.

Submissions (2):

Ambry Genetics
Classification: Uncertain significance for Cardiovascular phenotype. Last evaluated: 2026-09-04. Review status: criteria provided, single submitter. Criteria: Ambry Variant Classification Scheme 2023. Collection method: clinical testing. Allele origin: germline.
Comment: The p.P61S variant (also known as c.181C>T), located in coding exon 1 of the SNTA1 gene, results from a C to T substitution at nucleotide position 181. The proline at codon 61 is replaced by serine, an amino acid with similar properties. This amino acid position is conserved. In addition, this alteration is predicted to be tolerated by in silico analysis. Based on the available evidence, the clinical significance of this variant remains unclear.

Labcorp Genetics (formerly Invitae), Labcorp
Classification: Uncertain significance for Long QT syndrome. Last evaluated: 2024-04-08. Review status: criteria provided, single submitter. Criteria: Invitae Variant Classification Sherloc (09022015). Collection method: clinical testing. Allele origin: germline.
Comment: This sequence change replaces proline, which is neutral and non-polar, with serine, which is neutral and polar, at codon 61 of the SNTA1 protein (p.Pro61Ser). This variant is not present in population databases (gnomAD no frequency). This variant has not been reported in the literature in individuals affected with SNTA1-related conditions. Algorithms developed to predict the effect of missense changes on protein structure and function output the following: SIFT: "Not Available"; PolyPhen-2: "Benign"; Align-GVGD: "Not Available". The serine amino acid residue is found in multiple mammalian species, which suggests that this missense change does not adversely affect protein function. In summary, the available evidence is currently insufficient to determine the role of this variant in disease. Therefore, it has been classified as a Variant of Uncertain Significance.

NM_003098.3(SNTA1):c.181C>T (p.Pro61Ser)

Gene: SNTA1 (syntrophin alpha 1; minus strand). Cytogenetic location: 20q11.21.
Variant type: single nucleotide variant.
Coding change: c.181C>T on transcript NM_003098.3 (MANE Select); coding-DNA position 181, C replaced by T.
Protein change: p.Pro61Ser; replaces proline 61 with serine.
Molecular consequence: missense variant.
Genome position (GRCh38, 1-based): chr20:33,443,440, G>A on the plus strand (C>T on the coding strand, the complement: SNTA1 is on the minus strand). VCF-style: chr20-33443440-G-A. GRCh37 (hg19) VCF-style: chr20-32031246-G-A.
Other names: c.181C>T, p.Pro61Ser (NM_001424413.1, NM_001424414.1); short protein forms P61S.
Identifiers: ClinVar variation 3614018 (VCV003614018.4).